The following is an entry in ClinVar:

NM_020937.4(FANCM):c.4085A>T (p.Asp1362Val)

Gene: FANCM (FA complementation group M; plus strand). Cytogenetic location: 14q21.2.
Variant type: single nucleotide variant.
Coding change: c.4085A>T on transcript NM_020937.4 (MANE Select); coding-DNA position 4085, A replaced by T.
Protein change: p.Asp1362Val; replaces aspartic acid 1362 with valine.
Molecular consequence: missense variant.
Genome position (GRCh38, 1-based): chr14:45,176,839, A>T. VCF-style: chr14-45176839-A-T. GRCh37 (hg19) VCF-style: chr14-45646042-A-T.
Other names: c.4007A>T, p.Asp1336Val (NM_001308133.2); short protein forms D1362V, D1336V.
Identifiers: ClinVar variation 4254671 (VCV004254671.1).

ClinVar aggregate classification (germline): Uncertain significance (1 of 4 stars; one submission).

Conditions:
Inborn genetic diseases. Identifiers: MedGen C0950123, MeSH D030342.

gnomAD v4.1: 2 of 1,607,566 alleles (0.00012%); highest among the groups gnomAD compares: Non-Finnish European, 0.00017%; no homozygotes.

Submission:

Ambry Genetics
Classification: Uncertain significance for Inborn genetic diseases. Last evaluated: 2025-08-14. Review status: criteria provided, single submitter. Criteria: Ambry Variant Classification Scheme 2023. Collection method: clinical testing. Allele origin: germline.
Comment: The p.D1362V variant (also known as c.4085A>T), located in coding exon 14 of the FANCM gene, results from an A to T substitution at nucleotide position 4085. The aspartic acid at codon 1362 is replaced by valine, an amino acid with highly dissimilar properties. This amino acid position is conserved. In addition, this alteration is predicted to be tolerated by in silico analysis. Based on the available evidence, the clinical significance of this variant remains unclear.